The following is an entry in ClinVar:

NM_053025.4(MYLK):c.3608C>T (p.Ser1203Phe)

Gene: MYLK (myosin light chain kinase; minus strand). Cytogenetic location: 3q21.1.
Variant type: single nucleotide variant.
Coding change: c.3608C>T on transcript NM_053025.4 (MANE Select); coding-DNA position 3608, C replaced by T.
Protein change: p.Ser1203Phe; replaces serine 1203 with phenylalanine.
Molecular consequence: missense variant.
Genome position (GRCh38, 1-based): chr3:123,682,268, G>A on the plus strand (C>T on the coding strand, the complement: MYLK is on the minus strand). VCF-style: chr3-123682268-G-A. GRCh37 (hg19) VCF-style: chr3-123401115-G-A.
Other names: c.3080C>T, p.Ser1027Phe (NM_001321309.2); c.3401C>T, p.Ser1134Phe (NM_053026.4, NM_053028.4); c.3608C>T, p.Ser1203Phe (NM_053027.4); short protein forms S1027F, S1134F, S1203F.
Identifiers: ClinVar variation 899634 (VCV000899634.9), dbSNP rs777876067, ClinGen allele CA069872.

ClinVar aggregate classification (germline): Uncertain significance. Review status: criteria provided, multiple submitters, no conflicts (2 of 4 stars). 4 submissions from 4 submitters: Uncertain significance (4). Last evaluated 2025-12-17.

Conditions:
Aortic aneurysm, familial thoracic 7 (AAT7). Also called: AORTIC DISSECTION, FAMILIAL, WITH OR WITHOUT AORTIC ANEURYSM. Identifiers: MedGen C3151077, MONDO:0013418, OMIM 613780.
Megacystis-microcolon-intestinal hypoperistalsis syndrome 1. Identifiers: MedGen C5542316, MONDO:0100354, OMIM 249210.

Allele frequency attached by ClinVar (database versions not stated): gnomAD 0.00001; gnomAD exomes 0.00001; TOPMed 0.00002; ExAC 0.00005.
gnomAD v4.1: 8 of 1,604,360 alleles (0.0005%); highest among the groups gnomAD compares: Non-Finnish European, 0.0006%; no homozygotes.

Submissions (4):

Labcorp Genetics (formerly Invitae), Labcorp
Classification: Uncertain significance for Aortic aneurysm, familial thoracic 7. Last evaluated: 2025-12-17. Review status: criteria provided, single submitter. Criteria: Invitae Variant Classification Sherloc (09022015). Collection method: clinical testing. Allele origin: germline.
Comment: This sequence change replaces serine, which is neutral and polar, with phenylalanine, which is neutral and non-polar, at codon 1203 of the MYLK protein (p.Ser1203Phe). This variant is present in population databases (rs777876067, gnomAD 0.003%). This variant has not been reported in the literature in individuals affected with MYLK-related conditions. ClinVar contains an entry for this variant (Variation ID: 899634). Invitae Evidence Modeling of protein sequence and biophysical properties (such as structural, functional, and spatial information, amino acid conservation, physicochemical variation, residue mobility, and thermodynamic stability) indicates that this missense variant is not expected to disrupt MYLK protein function with a negative predictive value of 80%. In summary, the available evidence is currently insufficient to determine the role of this variant in disease. Therefore, it has been classified as a Variant of Uncertain Significance.

Clinical Genetics Laboratory, Skane University Hospital Lund
Classification: Uncertain significance. Last evaluated: 2023-01-30. Review status: criteria provided, single submitter. Criteria: ACMG Guidelines, 2015. Collection method: clinical testing. Allele origin: germline. Affected: yes.

Fulgent Genetics
Classification: Uncertain significance for Megacystis-microcolon-intestinal hypoperistalsis syndrome 1; Aortic aneurysm, familial thoracic 7. Last evaluated: 2021-11-11. Review status: criteria provided, single submitter. Criteria: ACMG Guidelines, 2015. Collection method: clinical testing. Allele origin: unknown.

Illumina Laboratory Services, Illumina
Classification: Uncertain significance for Aortic aneurysm, familial thoracic 7. Last evaluated: 2018-01-13. Review status: criteria provided, single submitter. Criteria: ICSL Variant Classification Criteria 13 December 2019. Collection method: clinical testing. Allele origin: germline.